The following is an entry in ClinVar:

ClinVar aggregate classification (germline): Benign. Review status: criteria provided, multiple submitters, no conflicts (2 of 4 stars). 2 submissions from 2 submitters: Benign (2). Last evaluated 2018-01-13.

Conditions:
Vitamin D-dependent rickets type II with alopecia (VDDR2A). Also called: HYPOCALCEMIC VITAMIN D-RESISTANT RICKETS; Vitamin D-dependent rickets, type 2A; PDDR IIA; PSEUDOVITAMIN D-DEFICIENCY, TYPE IIA; RICKETS, HEREDITARY VITAMIN D-RESISTANT; RICKETS-ALOPECIA SYNDROME. Identifiers: Orphanet 93160, MedGen C0342646, MONDO:0010186, OMIM 277440.

Allele frequency attached by ClinVar (database versions not stated): gnomAD 0.95138; gnomAD exomes 0.95238; TOPMed 0.95465; 1000 Genomes Project 0.97823; 1000 Genomes Project 30x 0.97845.
gnomAD v4.1: 144,927 of 152,166 alleles (95%); highest among the groups gnomAD compares: East Asian, 100%; 69,068 homozygotes.

Submissions (2):

Illumina Laboratory Services, Illumina
Classification: Benign for Vitamin D-dependent rickets type II with alopecia. Last evaluated: 2018-01-13. Review status: criteria provided, single submitter. Criteria: ICSL Variant Classification Criteria 13 December 2019. Collection method: clinical testing. Allele origin: germline.
Comment: This variant was observed in the ICSL laboratory as part of a predisposition screen in an ostensibly healthy population. It had not been previously curated by ICSL or reported in the Human Gene Mutation Database (HGMD: prior to June 1st, 2018), and was therefore a candidate for classification through an automated scoring system. Utilizing variant allele frequency, disease prevalence and penetrance estimates, and inheritance mode, an automated score was calculated to assess if this variant is too frequent to cause the disease. Based on the score and internal cut-off values, a variant classified as benign is not then subjected to further curation. The score for this variant resulted in a classification of benign for this disease.

Breakthrough Genomics
Classification: Benign. Review status: criteria provided, single submitter. Criteria: ACMG Guidelines, 2015. Collection method: not provided. Allele origin: germline. Inheritance: Autosomal recessive inheritance. Affected: yes.

NM_000376.3(VDR):c.*1979C>G

Gene: VDR (vitamin D receptor; minus strand). Cytogenetic location: 12q13.11.
Variant type: single nucleotide variant.
Coding change: c.*1979C>G on transcript NM_000376.3 (MANE Select); 1979 bases downstream of the stop codon, C replaced by G.
Molecular consequence: 3 prime UTR variant.
Genome position (GRCh38, 1-based): chr12:47,842,767, G>C on the plus strand (C>G on the coding strand, the complement: VDR is on the minus strand). VCF-style: chr12-47842767-G-C. GRCh37 (hg19) VCF-style: chr12-48236550-G-C.
Other names: c.*1979C>G (NM_001017535.2, NM_001017536.2, NM_001374661.1 and 1 more transcripts); c.*1778C>G (NM_001364085.2).
Identifiers: ClinVar variation 308840 (VCV000308840.6), dbSNP rs2544043, ClinGen allele CA10642293.